The following is an entry in ClinVar:

NM_002691.4(POLD1):c.89G>C (p.Arg30Pro)

Gene: POLD1 (DNA polymerase delta 1, catalytic subunit; plus strand). Cytogenetic location: 19q13.33.
Variant type: single nucleotide variant.
Coding change: c.89G>C on transcript NM_002691.4 (MANE Select); coding-DNA position 89, G replaced by C.
Protein change: p.Arg30Pro; replaces arginine 30 with proline.
Molecular consequence: missense variant. On other transcripts: non-coding transcript variant (1).
Genome position (GRCh38, 1-based): chr19:50,398,940, G>C. VCF-style: chr19-50398940-G-C. GRCh37 (hg19) VCF-style: chr19-50902197-G-C.
Other names: c.89G>C, p.Arg30Pro (NM_001256849.1, NM_001308632.1); short protein forms R30P.
Identifiers: ClinVar variation 962017 (VCV000962017.9), dbSNP rs765969481, ClinGen allele CA406970115.

ClinVar aggregate classification (germline): Uncertain significance (1 of 4 stars; one submission).

Conditions:
POLD1-related polyposis and colorectal cancer syndrome (CRCS10). Also called: Colorectal cancer 10; COLORECTAL CANCER, SUSCEPTIBILITY TO, ON CHROMOSOME 19q; Colorectal cancer, susceptibility to, 10. Identifiers: Orphanet 220460, MedGen C2675481, MONDO:0012953, OMIM 612591.

Submission:

Labcorp Genetics (formerly Invitae), Labcorp
Classification: Uncertain significance for POLD1-related polyposis and colorectal cancer syndrome. Last evaluated: 2019-08-20. Review status: criteria provided, single submitter. Criteria: Invitae Variant Classification Sherloc (09022015). Collection method: clinical testing. Allele origin: germline.
Comment: This sequence change replaces arginine with proline at codon 30 of the POLD1 protein (p.Arg30Pro). The arginine residue is weakly conserved and there is a moderate physicochemical difference between arginine and proline. This variant is not present in population databases (ExAC no frequency). This variant has not been reported in the literature in individuals with POLD1-related conditions. Algorithms developed to predict the effect of missense changes on protein structure and function output the following: SIFT: "Tolerated"; PolyPhen-2: "Benign"; Align-GVGD: "Class C0". The proline amino acid residue is found in multiple mammalian species, suggesting that this missense change does not adversely affect protein function. These predictions have not been confirmed by published functional studies and their clinical significance is uncertain. In summary, the available evidence is currently insufficient to determine the role of this variant in disease. Therefore, it has been classified as a Variant of Uncertain Significance.